The following is an entry in ClinVar:

NM_016169.4(SUFU):c.1131dup (p.Gly378fs)

Gene: SUFU (SUFU negative regulator of hedgehog signaling; plus strand). Cytogenetic location: 10q24.32.
Variant type: Duplication.
Coding change: c.1131dup on transcript NM_016169.4 (MANE Select); coding-DNA position 1131, one base duplicated (C; older notation c.1131dupC).
Protein change: p.Gly378fs; shifts the reading frame from glycine 378.
Molecular consequence: frameshift variant.
Genome position (GRCh38, 1-based): chr10:102,615,376, C duplicated; the last of 2 consecutive C bases (chr10:102,615,375-102,615,376); duplicating either gives the same sequence. VCF-style (leftmost placement, unchanged base first): chr10-102615374-T-TC. GRCh37 (hg19) VCF-style: chr10-104375131-T-TC.
Other names: c.1131dup (NM_016169.3); c.1131dupC (NM_016169.3); c.1131dup, p.Gly378fs (NM_001178133.2); short protein forms G378fs.
Identifiers: ClinVar variation 817306 (VCV000817306.3), dbSNP rs1590082278, ClinGen allele CA915947602.

ClinVar aggregate classification (germline): Pathogenic. Review status: criteria provided, multiple submitters, no conflicts (2 of 4 stars). 2 submissions from 2 submitters: Pathogenic (2). Last evaluated 2026-04-01.

Conditions:
Hereditary cancer-predisposing syndrome. Also called: Neoplastic Syndromes, Hereditary; Hereditary neoplastic syndrome; Hereditary Cancer Syndrome; Tumor predisposition. Identifiers: Orphanet 140162, MedGen C0027672, MeSH D009386, MONDO:0015356.

Submissions (2):

Ambry Genetics
Classification: Pathogenic for Hereditary cancer-predisposing syndrome. Last evaluated: 2026-04-01. Review status: criteria provided, single submitter. Criteria: Ambry Variant Classification Scheme 2023. Collection method: clinical testing. Allele origin: germline.
Comment: The c.1131dupC pathogenic mutation, located in coding exon 9 of the SUFU gene, results from a duplication of C at nucleotide position 1131, causing a translational frameshift with a predicted alternate stop codon (p.G378Rfs*21). This alteration is expected to result in loss of function by premature protein truncation or nonsense-mediated mRNA decay. This variant is considered to be rare based on population cohorts in the Genome Aggregation Database (gnomAD). As such, this alteration is interpreted as a disease-causing mutation.

GeneDx
Classification: Pathogenic. Last evaluated: 2025-12-26. Review status: criteria provided, single submitter. Criteria: GeneDx Variant Classification Process June 2021. Collection method: clinical testing. Allele origin: germline. Affected: yes.
Comment: Frameshift variant predicted to result in protein truncation or nonsense mediated decay in a gene for which loss of function is a known mechanism of disease; Not observed at significant frequency in large population cohorts (gnomAD); Has not been previously published as pathogenic or benign to our knowledge